The following is an entry in ClinVar:

NM_001009944.3(PKD1):c.5364del (p.Ser1789fs)

Gene: PKD1 (polycystin 1, transient receptor potential channel interacting; minus strand). Cytogenetic location: 16p13.3.
Variant type: Deletion.
Coding change: c.5364del on transcript NM_001009944.3 (MANE Select); coding-DNA position 5364, one base deleted (C; older notation c.5364delC).
Protein change: p.Ser1789fs; shifts the reading frame from serine 1789.
Molecular consequence: frameshift variant.
Genome position (GRCh38, 1-based): chr16:2,109,803, G deleted on the plus strand (C on the coding strand, the reverse complement: PKD1 is on the minus strand). VCF-style (leftmost placement, unchanged base first): chr16-2109802-AG-A. GRCh37 (hg19) VCF-style: chr16-2159803-AG-A.
Other names: c.5364del, p.Ser1789fs (NM_000296.4); short protein forms S1789fs.
Identifiers: ClinVar variation 2573450 (VCV002573450.1), dbSNP rs2544812863, ClinGen allele CA2580613393.

ClinVar aggregate classification (germline): Pathogenic (1 of 4 stars; one submission).

Conditions:
Polycystic kidney disease, adult type (PKD1). Also called: POLYCYSTIC KIDNEY DISEASE 1 WITH OR WITHOUT POLYCYSTIC LIVER DISEASE; Polycystic Kidney Disease 1, Autosomal Dominant; Polycystic kidney disease 1; Polycystic kidney disease 1, severe; Polycystic Kidney, Autosomal Dominant; POLYCYSTIC KIDNEY DISEASE, ADULT, TYPE I. Identifiers: MedGen C3149841, MONDO:0008263, OMIM 173900.

Submission:

Women's Health and Genetics/Laboratory Corporation of America, LabCorp
Classification: Pathogenic for Polycystic kidney disease, adult type. Last evaluated: 2023-06-06. Review status: criteria provided, single submitter. Criteria: LabCorp Variant Classification Summary - May 2015. Collection method: clinical testing. Allele origin: germline.
Comment: Variant summary: PKD1 c.5364delC (p.Ser1789GlnfsX14) results in a premature termination codon, predicted to cause a truncation of the encoded protein or absence of the protein due to nonsense mediated decay, which are commonly known mechanisms for disease. The variant was absent in 244630 control chromosomes (gnomAD). The available data on variant occurrences in the general population are insufficient to allow any conclusion about variant significance. To our knowledge, no occurrence of c.5364delC in individuals affected with Polycystic Kidney Disease 1 and no experimental evidence demonstrating its impact on protein function have been reported. No clinical diagnostic laboratories have submitted clinical-significance assessments for this variant to ClinVar after 2014. Based on the evidence outlined above, the variant was classified as pathogenic.